The following is an entry in ClinVar:

ClinVar aggregate classification (germline): Uncertain significance (1 of 4 stars; one submission).

Submission:

GeneDx
Classification: Uncertain significance. Last evaluated: 2024-11-11. Review status: criteria provided, single submitter. Criteria: GeneDx Variant Classification Process June 2021. Collection method: clinical testing. Allele origin: germline.
Comment: Not observed at significant frequency in large population cohorts (gnomAD); In silico analysis supports that this missense variant has a deleterious effect on protein structure/function; Has not been previously published as pathogenic or benign to our knowledge

NM_005982.4(SIX1):c.368A>G (p.Asp123Gly)

Gene: SIX1 (SIX homeobox 1; minus strand). Cytogenetic location: 14q23.1.
Variant type: single nucleotide variant.
Coding change: c.368A>G on transcript NM_005982.4 (MANE Select); coding-DNA position 368, A replaced by G.
Protein change: p.Asp123Gly; replaces aspartic acid 123 with glycine.
Molecular consequence: missense variant.
Genome position (GRCh38, 1-based): chr14:60,648,822, T>C on the plus strand (A>G on the coding strand, the complement: SIX1 is on the minus strand). VCF-style: chr14-60648822-T-C. GRCh37 (hg19) VCF-style: chr14-61115540-T-C.
Other names: short protein forms D123G.
Identifiers: ClinVar variation 2504670 (VCV002504670.2), dbSNP rs2502643994, ClinGen allele CA389910465.